The following is an entry in ClinVar:

ClinVar aggregate classification (germline): Uncertain significance (1 of 4 stars; one submission).

gnomAD v4.1: 1 of 1,612,352 alleles (0.000062%); highest among the groups gnomAD compares: African/African-American, 0.0013%; no homozygotes.

Submission:

CeGaT Center for Human Genetics Tuebingen
Classification: Uncertain significance. Last evaluated: 2026-02-01. Review status: criteria provided, single submitter. Criteria: CeGaT Center For Human Genetics Tuebingen Variant Classification Criteria Version 2. Collection method: clinical testing. Allele origin: germline. Affected: yes. Observed: 1 variant allele.
Comment: BUB1: PM2, BP4

NM_004336.5(BUB1):c.2282A>G (p.Tyr761Cys)

Gene: BUB1 (BUB1 mitotic checkpoint serine/threonine kinase; minus strand). Cytogenetic location: 2q13.
Variant type: single nucleotide variant.
Coding change: c.2282A>G on transcript NM_004336.5 (MANE Select); coding-DNA position 2282, A replaced by G.
Protein change: p.Tyr761Cys; replaces tyrosine 761 with cysteine.
Molecular consequence: missense variant.
Genome position (GRCh38, 1-based): chr2:110,649,299, T>C on the plus strand (A>G on the coding strand, the complement: BUB1 is on the minus strand). VCF-style: chr2-110649299-T-C. GRCh37 (hg19) VCF-style: chr2-111406876-T-C.
Other names: c.2222A>G, p.Tyr741Cys (NM_001278616.2); c.2282A>G, p.Tyr761Cys (NM_001278617.2); short protein forms Y741C, Y761C.
Identifiers: ClinVar variation 4823387 (VCV004823387.4).